The following is an entry in ClinVar:

ClinVar aggregate classification (germline): Pathogenic. Review status: criteria provided, multiple submitters, no conflicts (2 of 4 stars). 2 submissions from 2 submitters: Pathogenic (2). Last evaluated 2026-07-17.

Conditions:
Familial thoracic aortic aneurysm and aortic dissection (TAAD). Also called: Thoracic aortic aneurysms and dissections. Identifiers: Orphanet 91387, MedGen C4707243, MONDO:0019625.

Submissions (2):

Ambry Genetics
Classification: Pathogenic for Familial thoracic aortic aneurysm and aortic dissection. Last evaluated: 2026-07-17. Review status: criteria provided, single submitter. Criteria: Ambry Variant Classification Scheme 2023. Collection method: clinical testing. Allele origin: germline.
Comment: The c.2094delG pathogenic mutation, located in coding exon 16 of the FBN1 gene, results from a deletion of one nucleotide at nucleotide position 2094, causing a translational frameshift with a predicted alternate stop codon (p.C699Vfs*19). This variant was reported in individual(s) with features consistent with Marfan syndrome (Baudhuin LM et al. J Hum Genet, 2015 May;60:241-52). This variant is considered to be rare based on population cohorts in the Genome Aggregation Database (gnomAD). This alteration is expected to result in loss of function by premature protein truncation or nonsense-mediated mRNA decay. As such, this alteration is interpreted as a disease-causing mutation.

GeneDx
Classification: Pathogenic. Last evaluated: 2016-04-25. Review status: criteria provided, single submitter. Criteria: GeneDx Variant Classification (06012015). Collection method: clinical testing. Allele origin: germline. Affected: yes.
Comment: It has also been observed in other unrelated individuals who were referred for FBN1 or Marfan/TAAD genetic testing at GeneDx. This variant causes a shift in reading frame starting at codon Cystine 699, changing it to a Valine, and creating a premature stop codon at position 19 of the new reading frame, denoted p.Cys699ValfsX19. This pathogenic variant is expected to result in either an abnormal, truncated protein product or loss of protein from this allele through nonsense-mediated mRNA decay. Other downstream frameshift variants in the FBN1 gene have been reported in HGMD in association with Marfan syndrome or aortic aneurysm (Stenson et al., 2014). Furthermore, the c.2094delG variant was not observed in approximately 6,500 individuals of European and African American ancestry in the NHLBI Exome Sequencing Project, indicating it is not a common benign variant in these populations. In summary, c.2094delG in the FBN1 gene is interpreted as a pathogenic variant.

Literature cited by the submitters: PubMed 25652356 (cited by Ambry Genetics).

NM_000138.5(FBN1):c.2094del (p.Cys699fs)

Gene: FBN1 (fibrillin 1; minus strand). Cytogenetic location: 15q21.1.
Variant type: Deletion.
Coding change: c.2094del on transcript NM_000138.5 (MANE Select); coding-DNA position 2094, one base deleted (G; older notation c.2094delG).
Protein change: p.Cys699fs; shifts the reading frame from cysteine 699.
Molecular consequence: frameshift variant.
Genome position (GRCh38, 1-based): chr15:48,503,806, C deleted on the plus strand (G on the coding strand, the reverse complement: FBN1 is on the minus strand). VCF-style (leftmost placement, unchanged base first): chr15-48503805-AC-A. GRCh37 (hg19) VCF-style: chr15-48796002-AC-A.
Other names: c.2094delG (NM_000138.4); short protein forms C699fs.
Identifiers: ClinVar variation 265141 (VCV000265141.3), dbSNP rs886039360, ClinGen allele CA10588588.